The following is an entry in ClinVar:

NM_001042492.3(NF1):c.3198-7_3198-4dup

Gene: NF1 (neurofibromin 1; plus strand). Cytogenetic location: 17q11.2.
Variant type: Duplication.
Coding change: c.3198-7_3198-4dup on transcript NM_001042492.3 (MANE Select); 7 bases into the intron before coding-DNA position 3198 through 4 bases into the intron before coding-DNA position 3198, 4 bases duplicated (TTTT; older notation c.3198-7_3198-4dupTTTT).
Molecular consequence: intron variant.
Genome position (GRCh38, 1-based): chr17:31,232,066-31,232,069, TTTT duplicated; duplicating any 4 consecutive bases within chr17:31,232,044-31,232,069 gives the same sequence; the c. name uses the placement nearest the transcript's 3' end. VCF-style (leftmost placement, unchanged base first): chr17-31232043-A-ATTTT. GRCh37 (hg19) VCF-style: chr17-29559061-A-ATTTT.
Other names: c.3198-7_3198-4dup (NM_000267.4); c.3198-7_3198-4dupTTTT (NM_000267.3).
Identifiers: ClinVar variation 1217106 (VCV001217106.14), dbSNP rs371047262, ClinGen allele CA8486118.
Genomic context (GRCh38, chr17:31,232,043, plus strand): 5'-TGTTAGTAAGAGGTTTATTTGAGGGGAAGTGAAAGAACTTGAAAGATTCATGGTCTCTAA[A>ATTTT]TTTTTTTTTTTTTTTTTTTTTTTTTTCAGAGATTTGGACCAGGCAAGCATGGAAGCAGTA-3'

ClinVar aggregate classification (germline): Benign/Likely benign. Review status: criteria provided, multiple submitters, no conflicts (2 of 4 stars). 4 submissions from 4 submitters: Benign (2); Likely benign (2). Last evaluated 2026-04-20.

Submissions (4):

Dasa
Classification: Benign. Last evaluated: 2026-04-20. Review status: criteria provided, single submitter. Criteria: DASA Assertion Criteria. Collection method: clinical testing. Allele origin: germline.
Comment: NM_001042492.3(NF1):c.3198-7_3198-4dup is a splice-region variant. Population frequency is inconsistent with a disease-causing role for this variant, and observations in unaffected individuals support a benign interpretation. Therefore, based on the currently available evidence, this variant is classified as benign.

CeGaT Center for Human Genetics Tuebingen
Classification: Benign. Last evaluated: 2026-04-01. Review status: criteria provided, single submitter. Criteria: CeGaT Center For Human Genetics Tuebingen Variant Classification Criteria Version 2. Collection method: clinical testing. Allele origin: germline. Affected: yes. Observed: 1 variant allele.
Comment: NF1: BP4, BS1, BS2

Center for Genomic Medicine, Rigshospitalet, Copenhagen University Hospital
Classification: Likely benign. Last evaluated: 2025-03-04. Review status: criteria provided, single submitter. Criteria: ACMG Guidelines, 2015. Collection method: clinical testing. Allele origin: germline.

GeneDx
Classification: Likely benign. Last evaluated: 2020-01-07. Review status: criteria provided, single submitter. Criteria: GeneDx Variant Classification Process June 2021. Collection method: clinical testing. Allele origin: germline. Affected: yes.